The following is an entry in ClinVar:

ClinVar aggregate classification (germline): Uncertain significance (1 of 4 stars; one submission).

Conditions:
Adenylosuccinate lyase deficiency (ADSLD). Also called: ADSL DEFICIENCY. Identifiers: Orphanet 46, MedGen C0268126, MONDO:0007068, OMIM 103050.

Allele frequency attached by ClinVar (database versions not stated): gnomAD 0.00001; TOPMed 0.00002; gnomAD exomes 0.00003.
gnomAD v4.1: 46 of 1,614,018 alleles (0.0029%); highest among the groups gnomAD compares: Non-Finnish European, 0.0036%; no homozygotes.

Submission:

Labcorp Genetics (formerly Invitae), Labcorp
Classification: Uncertain significance for Adenylosuccinate lyase deficiency. Last evaluated: 2024-10-15. Review status: criteria provided, single submitter. Criteria: Invitae Variant Classification Sherloc (09022015). Collection method: clinical testing. Allele origin: germline.
Comment: This sequence change replaces leucine, which is neutral and non-polar, with histidine, which is basic and polar, at codon 211 of the ADSL protein (p.Leu211His). This variant is not present in population databases (gnomAD no frequency). This missense change has been observed in individual(s) with adenylosuccinase deficiency (PMID: 36271826). In at least one individual the data is consistent with being in trans (on the opposite chromosome) from a pathogenic variant. ClinVar contains an entry for this variant (Variation ID: 963503). Invitae Evidence Modeling of protein sequence and biophysical properties (such as structural, functional, and spatial information, amino acid conservation, physicochemical variation, residue mobility, and thermodynamic stability) has been performed for this missense variant. However, the output from this modeling did not meet the statistical confidence thresholds required to predict the impact of this variant on ADSL protein function. In summary, the available evidence is currently insufficient to determine the role of this variant in disease. Therefore, it has been classified as a Variant of Uncertain Significance.

Literature cited by the submitters: PubMed 36271826.

NM_000026.4(ADSL):c.632T>A (p.Leu211His)

Gene: ADSL (adenylosuccinate lyase; plus strand). Cytogenetic location: 22q13.1.
Variant type: single nucleotide variant.
Coding change: c.632T>A on transcript NM_000026.4 (MANE Select); coding-DNA position 632, T replaced by A.
Protein change: p.Leu211His; replaces leucine 211 with histidine.
Molecular consequence: missense variant. On other transcripts: non-coding transcript variant (1).
Genome position (GRCh38, 1-based): chr22:40,359,013, T>A. VCF-style: chr22-40359013-T-A. GRCh37 (hg19) VCF-style: chr22-40755017-T-A.
Other names: c.632T>A, p.Leu211His (NM_001123378.3, NM_001363840.3); c.440T>A, p.Leu147His (NM_001317923.2); short protein forms L211H, L147H.
Identifiers: ClinVar variation 963503 (VCV000963503.9), dbSNP rs2044669605, ClinGen allele CA411641400.